The following is an entry in ClinVar:

ClinVar aggregate classification (germline): Conflicting classifications of pathogenicity. Review status: criteria provided, conflicting classifications (1 of 4 stars). 9 submissions from 9 submitters: Uncertain significance (1); Benign (4); Likely benign (4). Last evaluated 2026-09-01.

Conditions:
Meckel-Gruber syndrome. Also called: DYSENCEPHALIA SPLANCHNOCYSTICA; GRUBER SYNDROME; Dysencephalia splachnocystica. Identifiers: Orphanet 564, MedGen C0265215, MONDO:0018921.
Joubert syndrome. Also called: Familial aplasia of the vermis; JOUBERT-BOLTSHAUSER SYNDROME. Identifiers: Orphanet 475, MedGen C5979921, MONDO:0018772.
Joubert syndrome 1 (JBTS1). Also called: Cerebellooculorenal syndrome 1; CEREBELLOPARENCHYMAL DISORDER IV. Identifiers: MedGen C4551568, MONDO:0008944, OMIM 213300.
Meckel syndrome, type 6. Identifiers: Orphanet 564, MedGen C2676790, MONDO:0012848, OMIM 612284.

Allele frequency attached by ClinVar (database versions not stated): ESP Exome Variant Server 0.00035; gnomAD 0.00061; TOPMed 0.00080; 1000 Genomes Project 30x 0.00344; 1000 Genomes Project 0.00399; ExAC 0.00527.
gnomAD v4.1: 2,477 of 1,549,670 alleles (0.16%); highest among the groups gnomAD compares: South Asian, 1%; 8 homozygotes.

Submissions (9):

CeGaT Center for Human Genetics Tuebingen
Classification: Likely benign. Last evaluated: 2026-09-01. Review status: criteria provided, single submitter. Criteria: CeGaT Center For Human Genetics Tuebingen Variant Classification Criteria Version 2. Collection method: clinical testing. Allele origin: germline. Affected: yes. Observed: 16 variant alleles.
Comment: CC2D2A: PM5, BS1, BS2

Labcorp Genetics (formerly Invitae), Labcorp
Classification: Benign for Joubert syndrome; Meckel-Gruber syndrome. Last evaluated: 2026-02-04. Review status: criteria provided, single submitter. Criteria: Invitae Variant Classification Sherloc (09022015). Collection method: clinical testing. Allele origin: germline.

Blueprint Genetics
Classification: Likely benign. Last evaluated: 2024-11-22. Review status: criteria provided, single submitter. Criteria: ACMG Guidelines, 2015. Collection method: clinical testing. Allele origin: germline.

Mayo Clinic Laboratories, Mayo Clinic
Classification: Uncertain significance. Last evaluated: 2022-12-08. Review status: criteria provided, single submitter. Criteria: ACMG Guidelines, 2015. Collection method: clinical testing. Allele origin: germline. Observed: 1 variant allele.
Comment: BS1, PP3

Mendelics
Classification: Benign for Joubert syndrome 1. Last evaluated: 2019-05-28. Review status: criteria provided, single submitter. Criteria: Mendelics Assertion Criteria 2017. Collection method: clinical testing. Allele origin: unknown.

Athena Diagnostics
Classification: Likely benign. Last evaluated: 2017-06-08. Review status: criteria provided, single submitter. Criteria: Athena Diagnostics Criteria. Collection method: clinical testing. Allele origin: germline.

Illumina Laboratory Services, Illumina
Classification: Benign for Meckel syndrome, type 6. Last evaluated: 2017-04-27. Review status: criteria provided, single submitter. Criteria: ICSL Variant Classification Criteria 13 December 2019. Collection method: clinical testing. Allele origin: germline.
Comment: This variant was observed as part of a predisposition screen in an ostensibly healthy population. A literature search was performed for the gene, cDNA change, and amino acid change (where applicable). No publications were found based on this search. Allele frequency data from public databases was too high to be consistent with this variant causing disease. Therefore, this variant is classified as benign.

Eurofins Ntd Llc (ga)
Classification: Benign. Last evaluated: 2015-03-16. Review status: criteria provided, single submitter. Criteria: EGL Classification Definitions 2015. Collection method: clinical testing. Allele origin: germline. Observed: 2 variant alleles, 2 heterozygotes.

Breakthrough Genomics
Classification: Likely benign. Review status: criteria provided, single submitter. Criteria: ACMG Guidelines, 2015. Collection method: not provided. Allele origin: germline. Inheritance: Autosomal recessive inheritance. Affected: yes.

Literature cited by the submitters: PubMed 19777577 (cited by Mayo Clinic Laboratories, Mayo Clinic and Athena Diagnostics); PubMed 21068128 (cited by Mayo Clinic Laboratories, Mayo Clinic and Athena Diagnostics); PubMed 22241855 (cited by Mayo Clinic Laboratories, Mayo Clinic); PubMed 22995991 (cited by Mayo Clinic Laboratories, Mayo Clinic and Athena Diagnostics); PubMed 29987673 (cited by Mayo Clinic Laboratories, Mayo Clinic); PubMed 33486889 (cited by Mayo Clinic Laboratories, Mayo Clinic).

NM_001378615.1(CC2D2A):c.2161C>T (p.Pro721Ser)

Genes: CC2D2A (coiled-coil and C2 domain containing 2A; plus strand), FBXL5 (F-box and leucine rich repeat protein 5; minus strand). Cytogenetic location: 4p15.32.
Variant type: single nucleotide variant.
Coding change: c.2161C>T on transcript NM_001378615.1 (MANE Select); coding-DNA position 2161, C replaced by T.
Protein change: p.Pro721Ser; replaces proline 721 with serine.
Molecular consequence: missense variant.
Genome position (GRCh38, 1-based): chr4:15,540,994, C>T. VCF-style: chr4-15540994-C-T. GRCh37 (hg19) VCF-style: chr4-15542617-C-T.
Other names: c.2161C>T, p.Pro721Ser (NM_001080522.2); c.2014C>T, p.Pro672Ser (NM_001378617.1); short protein forms P721S, P672S.
Identifiers: ClinVar variation 194821 (VCV000194821.48), dbSNP rs199768782, ClinGen allele CA201373.